The following is an entry in ClinVar:

NM_020812.4(DOCK6):c.5684A>G (p.Glu1895Gly)

Gene: DOCK6 (dedicator of cytokinesis 6; minus strand). Cytogenetic location: 19p13.2.
Variant type: single nucleotide variant.
Coding change: c.5684A>G on transcript NM_020812.4 (MANE Select); coding-DNA position 5684, A replaced by G.
Protein change: p.Glu1895Gly; replaces glutamic acid 1895 with glycine.
Molecular consequence: missense variant.
Genome position (GRCh38, 1-based): chr19:11,201,893, T>C on the plus strand (A>G on the coding strand, the complement: DOCK6 is on the minus strand). VCF-style: chr19-11201893-T-C. GRCh37 (hg19) VCF-style: chr19-11312569-T-C.
Other names: c.5789A>G, p.Glu1930Gly (NM_001367830.1); short protein forms E1895G, E1930G.
Identifiers: ClinVar variation 1410583 (VCV001410583.7), dbSNP rs1408484865, ClinGen allele CA404073151.

ClinVar aggregate classification (germline): Uncertain significance (1 of 4 stars; one submission).

Allele frequency attached by ClinVar (database versions not stated): gnomAD exomes 0.00001.
gnomAD v4.1: 10 of 1,084,854 alleles (0.00092%); highest among the groups gnomAD compares: African/African-American, 0.0022%; no homozygotes.

Submission:

Labcorp Genetics (formerly Invitae), Labcorp
Classification: Uncertain significance. Last evaluated: 2022-01-28. Review status: criteria provided, single submitter. Criteria: Invitae Variant Classification Sherloc (09022015). Collection method: clinical testing. Allele origin: germline.
Comment: In summary, the available evidence is currently insufficient to determine the role of this variant in disease. Therefore, it has been classified as a Variant of Uncertain Significance. Algorithms developed to predict the effect of missense changes on protein structure and function are either unavailable or do not agree on the potential impact of this missense change (SIFT: "Tolerated"; PolyPhen-2: "Probably Damaging"; Align-GVGD: "Class C0"). This variant has not been reported in the literature in individuals affected with DOCK6-related conditions. The frequency data for this variant in the population databases is considered unreliable, as metrics indicate poor data quality at this position in the gnomAD database. This sequence change replaces glutamic acid, which is acidic and polar, with glycine, which is neutral and non-polar, at codon 1895 of the DOCK6 protein (p.Glu1895Gly).